The following is an entry in ClinVar:

NM_000136.3(FANCC):c.356C>G (p.Ser119Cys)

Gene: FANCC (FA complementation group C; minus strand). Cytogenetic location: 9q22.32.
Variant type: single nucleotide variant.
Coding change: c.356C>G on transcript NM_000136.3 (MANE Select); coding-DNA position 356, C replaced by G.
Protein change: p.Ser119Cys; replaces serine 119 with cysteine.
Molecular consequence: missense variant.
Genome position (GRCh38, 1-based): chr9:95,172,137, G>C on the plus strand (C>G on the coding strand, the complement: FANCC is on the minus strand). VCF-style: chr9-95172137-G-C. GRCh37 (hg19) VCF-style: chr9-97934419-G-C.
Other names: c.356C>G, p.Ser119Cys (NM_001243743.2, NM_001243744.2); short protein forms S119C.
Identifiers: ClinVar variation 3277620 (VCV003277620.1).

ClinVar aggregate classification (germline): Uncertain significance (1 of 4 stars; one submission).

Conditions:
Hereditary cancer-predisposing syndrome. Also called: Tumor predisposition; Hereditary Cancer Syndrome; Hereditary neoplastic syndrome; Neoplastic Syndromes, Hereditary. Identifiers: Orphanet 140162, MedGen C0027672, MeSH D009386, MONDO:0015356.

Submission:

Ambry Genetics
Classification: Uncertain significance for Hereditary cancer-predisposing syndrome. Last evaluated: 2024-04-10. Review status: criteria provided, single submitter. Criteria: Ambry Variant Classification Scheme 2023. Collection method: clinical testing. Allele origin: germline.
Comment: The p.S119C variant (also known as c.356C>G), located in coding exon 4 of the FANCC gene, results from a C to G substitution at nucleotide position 356. The serine at codon 119 is replaced by cysteine, an amino acid with dissimilar properties. This amino acid position is conserved. In addition, this alteration is predicted to be tolerated by in silico analysis. Based on the available evidence, the clinical significance of this variant remains unclear.